The following is an entry in ClinVar:

NM_153717.3(EVC):c.228del (p.Ser77fs)

Gene: EVC (EvC ciliary complex subunit 1; plus strand). Cytogenetic location: 4p16.2.
Variant type: Deletion.
Coding change: c.228del on transcript NM_153717.3 (MANE Select); coding-DNA position 228, one base deleted (C; older notation c.228delC).
Protein change: p.Ser77fs; shifts the reading frame from serine 77.
Molecular consequence: frameshift variant.
Genome position (GRCh38, 1-based): chr4:5,719,301, C deleted; the last of 5 consecutive C bases (chr4:5,719,297-5,719,301); deleting any one gives the same sequence. VCF-style (leftmost placement, unchanged base first): chr4-5719296-AC-A. GRCh37 (hg19) VCF-style: chr4-5721023-AC-A.
Other names: c.228del, p.Ser77fs (NM_001306090.2, NM_001306092.2); short protein forms S77fs.
Identifiers: ClinVar variation 5006785 (VCV005006785.2).

ClinVar aggregate classification (germline): Likely pathogenic (1 of 4 stars; one submission).

Conditions:
Ellis-van Creveld syndrome (EVC). Also called: Chondroectodermal dysplasia; MESOECTODERMAL DYSPLASIA. Identifiers: Orphanet 289, MedGen C0013903, MONDO:0009162, OMIM 225500.
Curry-Hall syndrome (WAD). Also called: WEYERS ACRODENTAL DYSOSTOSIS. Identifiers: Orphanet 952, MedGen C0457013, MONDO:0008673, OMIM 193530.

Submission:

Juno Genomics, Hangzhou Juno Genomics, Inc
Classification: Likely pathogenic for Curry-Hall syndrome; Ellis-van Creveld syndrome. Review status: criteria provided, single submitter. Criteria: ACMG Guidelines, 2015. Collection method: clinical testing. Allele origin: germline.
Comment: Null variant in a gene where loss of function (LOF) is a known mechanism of disease.;Absent from controls (or at extremely low frequency if recessive) in Genome Aggregation Database.